The following is an entry in ClinVar:

ClinVar aggregate classification (germline): Conflicting classifications of pathogenicity. Review status: criteria provided, conflicting classifications (1 of 4 stars). 5 submissions from 5 submitters: Likely pathogenic (1); Uncertain significance (3). 1 of the submissions does not count toward it. Last evaluated 2024-05-25.

Conditions:
Cardiovascular phenotype. Identifiers: MedGen CN230736.
Walker-Warburg congenital muscular dystrophy. Also called: Muscular dystrophy-dystroglycanopathy, type A; Walker-Warburg syndrome. Identifiers: Orphanet 899, MedGen C0265221, MONDO:0000171.
Dilated cardiomyopathy 1X (CMD1X). Also called: CARDIOMYOPATHY, DILATED, WITH MILD OR NO PROXIMAL MUSCLE WEAKNESS; FKTN-Related Dilated Cardiomyopathy. Identifiers: Orphanet 154, MedGen C1969024, MONDO:0012704, OMIM 611615.
Muscular dystrophy-dystroglycanopathy (congenital without impaired intellectual development), type B, 4. Also called: Muscular dystrophy-dystroglycanopathy (congenital without intellectual disability), type B4; MUSCULAR DYSTROPHY, CONGENITAL, FKTN-RELATED. Identifiers: MedGen C2751052, MONDO:0013156, OMIM 613152.
Autosomal recessive limb-girdle muscular dystrophy type 2M. Also called: MUSCULAR DYSTROPHY-DYSTROGLYCANOPATHY (LIMB-GIRDLE), TYPE C, 4; MUSCULAR DYSTROPHY, LIMB-GIRDLE, TYPE 2M. Identifiers: Orphanet 206554, MedGen C1969040, MONDO:0012699, OMIM 611588.
Muscular dystrophy-dystroglycanopathy (congenital with brain and eye anomalies), type A, 4 (MDDGA4). Also called: WALKER-WARBURG SYNDROME OR MUSCLE-EYE-BRAIN DISEASE, FKTN-RELATED; Congenital muscular dystrophy-dystroglycanopathy with brain and eye anomalies, type A4; Muscular dystrophy, congenital progressive, with mental retardation; Muscular dystrophy, congenital, with central nervous system involvement; Cerebromuscular dystrophy, Fukuyama type; Fukuyama congenital muscular dystrophy. Identifiers: Orphanet 272, Orphanet 588, Orphanet 899, MedGen C0410174, MONDO:0009678, OMIM 253800.

Allele frequency attached by ClinVar (database versions not stated): ExAC 0.00001; gnomAD 0.00001; ESP Exome Variant Server 0.00008; TOPMed 0.00001.
gnomAD v4.1: 10 of 1,614,044 alleles (0.00062%); highest among the groups gnomAD compares: Non-Finnish European, 0.00076%; no homozygotes.

Submissions (5):

Fulgent Genetics
Classification: Likely pathogenic for Muscular dystrophy-dystroglycanopathy (congenital with brain and eye anomalies), type A, 4; Autosomal recessive limb-girdle muscular dystrophy type 2M; Dilated cardiomyopathy 1X; Muscular dystrophy-dystroglycanopathy (congenital without impaired intellectual development), type B, 4. Last evaluated: 2024-05-25. Review status: criteria provided, single submitter. Criteria: ACMG Guidelines, 2015. Collection method: clinical testing. Allele origin: germline.

Blueprint Genetics
Classification: Uncertain significance. Last evaluated: 2023-11-23. Review status: criteria provided, single submitter. Criteria: ACMG Guidelines, 2015. Collection method: clinical testing. Allele origin: germline.

Labcorp Genetics (formerly Invitae), Labcorp
Classification: Uncertain significance for Walker-Warburg congenital muscular dystrophy. Last evaluated: 2022-08-22. Review status: criteria provided, single submitter. Criteria: Invitae Variant Classification Sherloc (09022015). Collection method: clinical testing. Allele origin: germline.
Comment: This sequence change replaces serine, which is neutral and polar, with arginine, which is basic and polar, at codon 299 of the FKTN protein (p.Ser299Arg). This variant is present in population databases (rs367662190, gnomAD 0.002%). This missense change has been observed in individuals with autosomal recessive limb girdle muscular dystrophy (PMID: 28785732). ClinVar contains an entry for this variant (Variation ID: 264590). Algorithms developed to predict the effect of missense changes on protein structure and function (SIFT, PolyPhen-2, Align-GVGD) all suggest that this variant is likely to be disruptive. In summary, the available evidence is currently insufficient to determine the role of this variant in disease. Therefore, it has been classified as a Variant of Uncertain Significance.

Ambry Genetics
Classification: Uncertain significance for Cardiovascular phenotype. Last evaluated: 2016-01-08. Review status: criteria provided, single submitter. Criteria: Ambry Variant Classification Scheme 2023. Collection method: clinical testing. Allele origin: germline.
Comment: The p.S299R variant (also known as c.895A>C), located in coding exon 6 of the FKTN gene, results from an A to C substitution at nucleotide position 895. The serine at codon 299 is replaced by arginine, an amino acid with dissimilar properties. This variant was previously reported in the SNPDatabase as rs367662190. Based on data from the NHLBI Exome Sequencing Project (ESP), the C allele has an overall frequency of approximately 0.01% (1/13006) total alleles studied and 0.01% (1/8600) European American alleles. This amino acid position is highly conserved in available vertebrate species. In addition, this alteration is predicted to be deleterious by in silico analysis. Since supporting evidence is limited at this time, the clinical significance of this variant remains unclear.

Natera, Inc.
Classification: Uncertain significance for Walker-Warburg congenital muscular dystrophy. Last evaluated: 2020-04-15. Review status: no assertion criteria provided. Collection method: clinical testing. Allele origin: germline. Not counted in ClinVar's aggregate classification.

Literature cited by the submitters: PubMed 28785732 (cited by Labcorp Genetics (formerly Invitae), Labcorp).

NM_001079802.2(FKTN):c.895A>C (p.Ser299Arg)

Gene: FKTN (fukutin; plus strand). Cytogenetic location: 9q31.2.
Variant type: single nucleotide variant.
Coding change: c.895A>C on transcript NM_001079802.2 (MANE Select); coding-DNA position 895, A replaced by C.
Protein change: p.Ser299Arg; replaces serine 299 with arginine.
Molecular consequence: missense variant. On other transcripts: non-coding transcript variant (1).
Genome position (GRCh38, 1-based): chr9:105,615,392, A>C. VCF-style: chr9-105615392-A-C. GRCh37 (hg19) VCF-style: chr9-108377673-A-C.
Other names: c.895A>C, p.Ser299Arg (NM_001198963.2, NM_001351496.2, NM_001351498.2 and 1 more transcripts); c.826A>C, p.Ser276Arg (NM_001351497.2); c.499A>C, p.Ser167Arg (NM_001351499.2, NM_001351500.2, NM_001351501.2 and 1 more transcripts); short protein forms S299R, S167R, S276R.
Identifiers: ClinVar variation 264590 (VCV000264590.16), dbSNP rs367662190, ClinGen allele CA5170513.